The following is an entry in ClinVar:

NM_001080517.3(SETD5):c.346A>C (p.Lys116Gln)

Gene: SETD5 (SET domain containing 5; plus strand). Cytogenetic location: 3p25.3.
Variant type: single nucleotide variant.
Coding change: c.346A>C on transcript NM_001080517.3 (MANE Select); coding-DNA position 346, A replaced by C.
Protein change: p.Lys116Gln; replaces lysine 116 with glutamine.
Molecular consequence: missense variant.
Genome position (GRCh38, 1-based): chr3:9,434,840, A>C. VCF-style: chr3-9434840-A-C. GRCh37 (hg19) VCF-style: chr3-9476524-A-C.
Other names: c.13A>C, p.Lys5Gln (NM_001292043.2, NM_001349451.2); short protein forms K116Q, K5Q.
Identifiers: ClinVar variation 1028535 (VCV001028535.15), dbSNP rs2040366549, ClinGen allele CA351683254.

ClinVar aggregate classification (germline): Uncertain significance. Review status: criteria provided, multiple submitters, no conflicts (2 of 4 stars). 2 submissions from 2 submitters: Uncertain significance (2). Last evaluated 2024-09-01.

Conditions:
Intellectual disability-facial dysmorphism syndrome due to SETD5 haploinsufficiency (MRD23). Also called: Intellectual developmental disorder, autosomal dominant 23. Identifiers: Orphanet 404440, MedGen C3810406, MONDO:0014336, OMIM 615761.

Allele frequency attached by ClinVar (database versions not stated): gnomAD exomes below 0.00001.
gnomAD v4.1: 2 of 1,613,206 alleles (0.00012%); highest among the groups gnomAD compares: Middle Eastern, 0.016%; no homozygotes.

Submissions (2):

CeGaT Center for Human Genetics Tuebingen
Classification: Uncertain significance. Last evaluated: 2024-09-01. Review status: criteria provided, single submitter. Criteria: CeGaT Center For Human Genetics Tuebingen Variant Classification Criteria Version 2. Collection method: clinical testing. Allele origin: germline. Affected: yes. Observed: 1 variant allele.

Baylor Genetics
Classification: Uncertain significance for Intellectual disability-facial dysmorphism syndrome due to SETD5 haploinsufficiency. Last evaluated: 2020-07-27. Review status: criteria provided, single submitter. Criteria: ACMG Guidelines, 2015. Collection method: clinical testing. Allele origin: unknown. Affected: yes.
Comment: This variant was determined to be of uncertain significance according to ACMG Guidelines, 2015 [PMID:25741868].